The following is an entry in ClinVar:

NM_001927.4(DES):c.179C>T (p.Ser60Leu)

Gene: DES (desmin; plus strand). Cytogenetic location: 2q35.
Variant type: single nucleotide variant.
Coding change: c.179C>T on transcript NM_001927.4 (MANE Select); coding-DNA position 179, C replaced by T.
Protein change: p.Ser60Leu; replaces serine 60 with leucine.
Molecular consequence: missense variant.
Genome position (GRCh38, 1-based): chr2:219,418,641, C>T. VCF-style: chr2-219418641-C-T. GRCh37 (hg19) VCF-style: chr2-220283363-C-T.
Other names: c.179C>T, p.Ser60Leu (NM_001382708.1, NM_001382709.1, NM_001382710.1 and 3 more transcripts); short protein forms S60L.
Identifiers: ClinVar variation 2931157 (VCV002931157.3), dbSNP rs868853251, ClinGen allele CA65980872.
Genomic context (GRCh38, chr2:219,418,641, plus strand): 5'-TCGGCTCTAAGGGCTCCTCCAGCTCGGTGACGTCCCGCGTGTACCAGGTGTCGCGCACGT[C>T]GGGCGGGGCCGGGGGCCTGGGGTCGCTGCGGGCCAGCCGGCTGGGGACCACCCGCACGCC-3'
Protein context (NP_001918.3, residues 50-70): TSRVYQVSRT[Ser60Leu]GGAGGLGSLR

ClinVar aggregate classification (germline): Uncertain significance (1 of 4 stars; one submission).

Conditions:
Desmin-related myofibrillar myopathy (MFM1). Also called: Desminopathy; Desmin related myopathy (former name); Desmin storage myopathy (former name); Myofibrillar myopathy 1; MYOFIBRILLAR MYOPATHY WITH ARRHYTHMOGENIC RIGHT VENTRICULAR CARDIOMYOPATHY; DESMIN-RELATED MYOPATHY WITH ARRHYTHMOGENIC RIGHT VENTRICULAR CARDIOMYOPATHY. Identifiers: Orphanet 363543, Orphanet 98909, MedGen C1832370, MONDO:0011076, OMIM 601419.

Submission:

Labcorp Genetics (formerly Invitae), Labcorp
Classification: Uncertain significance for Desmin-related myofibrillar myopathy. Last evaluated: 2023-03-31. Review status: criteria provided, single submitter. Criteria: Invitae Variant Classification Sherloc (09022015). Collection method: clinical testing. Allele origin: germline.
Comment: This sequence change replaces serine, which is neutral and polar, with leucine, which is neutral and non-polar, at codon 60 of the DES protein (p.Ser60Leu). This variant is not present in population databases (gnomAD no frequency). This variant has not been reported in the literature in individuals affected with DES-related conditions. Advanced modeling of protein sequence and biophysical properties (such as structural, functional, and spatial information, amino acid conservation, physicochemical variation, residue mobility, and thermodynamic stability) has been performed at Invitae for this missense variant, however the output from this modeling did not meet the statistical confidence thresholds required to predict the impact of this variant on DES protein function. In summary, the available evidence is currently insufficient to determine the role of this variant in disease. Therefore, it has been classified as a Variant of Uncertain Significance.